The following is an entry in ClinVar:

ClinVar aggregate classification (germline): Uncertain significance. Review status: criteria provided, multiple submitters, no conflicts (2 of 4 stars). 3 submissions from 3 submitters: Uncertain significance (3). Last evaluated 2026-07-20.

Conditions:
ROR2-related disorder. Also called: ROR2-related disorders; ROR2-related condition.
Inborn genetic diseases. Identifiers: MedGen C0950123, MeSH D030342.

Submissions (3):

PreventionGenetics, part of Exact Sciences
Classification: Uncertain significance for ROR2-related condition. Last evaluated: 2026-07-20. Review status: criteria provided, single submitter. Criteria: ACMG Guidelines, 2015. Collection method: clinical testing. Allele origin: germline.
Comment: The ROR2 c.2123G>A variant is predicted to result in the amino acid substitution p.Arg708Gln. To our knowledge, this variant has not been reported in the literature. This variant is reported in 0.011% of alleles in individuals of East Asian descent in gnomAD. At this time, the clinical significance of this variant is uncertain due to the absence of conclusive functional and genetic evidence.

Labcorp Genetics (formerly Invitae), Labcorp
Classification: Uncertain significance. Last evaluated: 2026-01-29. Review status: criteria provided, single submitter. Criteria: Invitae Variant Classification Sherloc (09022015). Collection method: clinical testing. Allele origin: germline.
Comment: This sequence change replaces arginine, which is basic and polar, with glutamine, which is neutral and polar, at codon 708 of the ROR2 protein (p.Arg708Gln). This variant is present in population databases (rs747920419, gnomAD 0.01%). This variant has not been reported in the literature in individuals affected with ROR2-related conditions. ClinVar contains an entry for this variant (Variation ID: 4156138). Invitae Evidence Modeling of protein sequence and biophysical properties (such as structural, functional, and spatial information, amino acid conservation, physicochemical variation, residue mobility, and thermodynamic stability) has been performed for this missense variant. However, the output from this modeling did not meet the statistical confidence thresholds required to predict the impact of this variant on ROR2 protein function. In summary, the available evidence is currently insufficient to determine the role of this variant in disease. Therefore, it has been classified as a Variant of Uncertain Significance.

Ambry Genetics
Classification: Uncertain significance for Inborn genetic diseases. Last evaluated: 2025-08-22. Review status: criteria provided, single submitter. Criteria: Ambry Variant Classification Scheme 2023. Collection method: clinical testing. Allele origin: germline.

NM_004560.4(ROR2):c.2123G>A (p.Arg708Gln)

Gene: ROR2 (ROR family WNT receptor 2; minus strand). Cytogenetic location: 9q22.31.
Variant type: single nucleotide variant.
Coding change: c.2123G>A on transcript NM_004560.4 (MANE Select); coding-DNA position 2123, G replaced by A.
Protein change: p.Arg708Gln; replaces arginine 708 with glutamine.
Molecular consequence: missense variant.
Genome position (GRCh38, 1-based): chr9:91,724,371, C>T on the plus strand (G>A on the coding strand, the complement: ROR2 is on the minus strand). VCF-style: chr9-91724371-C-T. GRCh37 (hg19) VCF-style: chr9-94486653-C-T.
Other names: short protein forms R708Q.
Identifiers: ClinVar variation 4156138 (VCV004156138.3).